The following is an entry in ClinVar:

ClinVar aggregate classification (germline): Uncertain significance (1 of 4 stars; one submission).

Allele frequency attached by ClinVar (database versions not stated): ExAC 0.00002; TOPMed 0.00004; gnomAD 0.00007.
gnomAD v4.1: 22 of 1,613,912 alleles (0.0014%); highest among the groups gnomAD compares: Admixed American, 0.023%; no homozygotes.

Submission:

Labcorp Genetics (formerly Invitae), Labcorp
Classification: Uncertain significance. Last evaluated: 2023-03-27. Review status: criteria provided, single submitter. Criteria: Invitae Variant Classification Sherloc (09022015). Collection method: clinical testing. Allele origin: germline.
Comment: Advanced modeling of protein sequence and biophysical properties (such as structural, functional, and spatial information, amino acid conservation, physicochemical variation, residue mobility, and thermodynamic stability) performed at Invitae indicates that this missense variant is expected to disrupt DCHS1 protein function. This variant has not been reported in the literature in individuals affected with DCHS1-related conditions. This variant is present in population databases (rs778093381, gnomAD 0.01%). This sequence change replaces aspartic acid, which is acidic and polar, with asparagine, which is neutral and polar, at codon 552 of the DCHS1 protein (p.Asp552Asn). In summary, the available evidence is currently insufficient to determine the role of this variant in disease. Therefore, it has been classified as a Variant of Uncertain Significance.

NM_003737.4(DCHS1):c.1654G>A (p.Asp552Asn)

Gene: DCHS1 (dachsous cadherin-related 1; minus strand). Cytogenetic location: 11p15.4.
Variant type: single nucleotide variant.
Coding change: c.1654G>A on transcript NM_003737.4 (MANE Select); coding-DNA position 1654, G replaced by A.
Protein change: p.Asp552Asn; replaces aspartic acid 552 with asparagine.
Molecular consequence: missense variant.
Genome position (GRCh38, 1-based): chr11:6,639,960, C>T on the plus strand (G>A on the coding strand, the complement: DCHS1 is on the minus strand). VCF-style: chr11-6639960-C-T. GRCh37 (hg19) VCF-style: chr11-6661191-C-T.
Other names: short protein forms D552N.
Identifiers: ClinVar variation 2904324 (VCV002904324.3), dbSNP rs778093381, ClinGen allele CA5860921.